The following is an entry in ClinVar:

NM_177438.3(DICER1):c.3143G>A (p.Trp1048Ter)

Gene: DICER1 (dicer 1, ribonuclease III; minus strand). Cytogenetic location: 14q32.13.
Variant type: single nucleotide variant.
Coding change: c.3143G>A on transcript NM_177438.3 (MANE Select); coding-DNA position 3143, G replaced by A.
Protein change: p.Trp1048Ter; replaces tryptophan 1048 with a stop codon.
Molecular consequence: nonsense.
Genome position (GRCh38, 1-based): chr14:95,105,197, C>T on the plus strand (G>A on the coding strand, the complement: DICER1 is on the minus strand). VCF-style: chr14-95105197-C-T. GRCh37 (hg19) VCF-style: chr14-95571534-C-T.
Other names: c.3143G>A, p.Trp1048Ter (NM_001195573.1, NM_001271282.3, NM_001291628.2 and 1 more transcripts); short protein forms W1048*.
Identifiers: ClinVar variation 933110 (VCV000933110.3), dbSNP rs1891304588, ClinGen allele CA390876786.

ClinVar aggregate classification (germline): Pathogenic (1 of 4 stars; one submission).

Conditions:
DICER1-related tumor predisposition. Also called: DICER1-related pleuropulmonary blastoma cancer predisposition syndrome; DICER1 syndrome. Identifiers: Orphanet 284343, MedGen C3839822, MONDO:0100216.

Submission:

Foulkes Cancer Genetics LDI, Lady Davis Institute for Medical Research
Classification: Pathogenic for Pleuropulmonary blastoma. Last evaluated: 2019-07-01. Review status: criteria provided, single submitter. Criteria: ACMG Guidelines, 2015. Collection method: curation. Allele origin: unknown. Affected: yes. Observed: 1 variant allele.
Comment: ACMG criteria met: PVS1, PM2, PP3

Literature cited by the submitters: PubMed 28177962.